The following is an entry in ClinVar:

NM_001321571.2(CAMK2D):c.696T>A (p.Asp232Glu)

Gene: CAMK2D (calcium/calmodulin dependent protein kinase II delta; minus strand). Cytogenetic location: 4q26.
Variant type: single nucleotide variant.
Coding change: c.696T>A on transcript NM_001321571.2 (MANE Select); coding-DNA position 696, T replaced by A.
Protein change: p.Asp232Glu; replaces aspartic acid 232 with glutamic acid.
Molecular consequence: missense variant.
Genome position (GRCh38, 1-based): chr4:113,517,563, A>T on the plus strand (T>A on the coding strand, the complement: CAMK2D is on the minus strand). VCF-style: chr4-113517563-A-T. GRCh37 (hg19) VCF-style: chr4-114438719-A-T.
Other names: c.696T>A, p.Asp232Glu (NM_001221.4, NM_001321566.2, NM_001321567.2 and 33 more transcripts); c.108T>A, p.Asp36Glu (NM_001321578.2, NM_001321585.2, NM_001399865.1); c.579T>A, p.Asp193Glu (NM_001321581.2, NM_001399859.1, NM_001399860.1 and 2 more transcripts); c.309T>A, p.Asp103Glu (NM_001399863.1, NM_001399864.1); short protein forms D103E, D193E, D232E, D36E.
Identifiers: ClinVar variation 4057103 (VCV004057103.1).

ClinVar aggregate classification (germline): Uncertain significance (1 of 4 stars; one submission).

Submission:

GeneDx
Classification: Uncertain significance. Last evaluated: 2025-01-08. Review status: criteria provided, single submitter. Criteria: GeneDx Variant Classification Process June 2021. Collection method: clinical testing. Allele origin: germline. Affected: yes.
Comment: Not observed at significant frequency in large population cohorts (gnomAD); In silico analysis supports that this missense variant has a deleterious effect on protein structure/function; Has not been previously published as pathogenic or benign to our knowledge